The following is an entry in ClinVar:

ClinVar aggregate classification (germline): Uncertain significance (1 of 4 stars; one submission).

gnomAD v4.1: 2 of 1,610,240 alleles (0.00012%); highest among the groups gnomAD compares: South Asian, 0.0022%; no homozygotes.

Submission:

CeGaT Center for Human Genetics Tuebingen
Classification: Uncertain significance. Last evaluated: 2026-07-01. Review status: criteria provided, single submitter. Criteria: CeGaT Center For Human Genetics Tuebingen Variant Classification Criteria Version 2. Collection method: clinical testing. Allele origin: germline. Affected: yes. Observed: 1 variant allele.
Comment: CHKB: PM2

NM_005198.5(CHKB):c.85C>G (p.Pro29Ala)

Genes: CHKB (choline kinase beta; minus strand), CHKB-CPT1B (CHKB-CPT1B readthrough (NMD candidate); minus strand). Cytogenetic location: 22q13.33.
Variant type: single nucleotide variant.
Coding change: c.85C>G on transcript NM_005198.5 (MANE Select); coding-DNA position 85, C replaced by G.
Protein change: p.Pro29Ala; replaces proline 29 with alanine.
Molecular consequence: missense variant. On other transcripts: non-coding transcript variant (1).
Genome position (GRCh38, 1-based): chr22:50,582,697, G>C on the plus strand (C>G on the coding strand, the complement: CHKB is on the minus strand). VCF-style: chr22-50582697-G-C. GRCh37 (hg19) VCF-style: chr22-51021126-G-C.
Other names: short protein forms P29A.
Identifiers: ClinVar variation 5040019 (VCV005040019.1).